The following is an entry in ClinVar:

ClinVar aggregate classification (germline): Uncertain significance (1 of 4 stars; one submission).

Submission:

Labcorp Genetics (formerly Invitae), Labcorp
Classification: Uncertain significance. Last evaluated: 2024-10-24. Review status: criteria provided, single submitter. Criteria: Invitae Variant Classification Sherloc (09022015). Collection method: clinical testing. Allele origin: germline.
Comment: This sequence change replaces serine, which is neutral and polar, with proline, which is neutral and non-polar, at codon 2551 of the KMT2B protein (p.Ser2551Pro). This variant is not present in population databases (gnomAD no frequency). This variant has not been reported in the literature in individuals affected with KMT2B-related conditions. Invitae Evidence Modeling of protein sequence and biophysical properties (such as structural, functional, and spatial information, amino acid conservation, physicochemical variation, residue mobility, and thermodynamic stability) has been performed for this missense variant. However, the output from this modeling did not meet the statistical confidence thresholds required to predict the impact of this variant on KMT2B protein function. In summary, the available evidence is currently insufficient to determine the role of this variant in disease. Therefore, it has been classified as a Variant of Uncertain Significance.

NM_014727.3(KMT2B):c.7651T>C (p.Ser2551Pro)

Gene: KMT2B (lysine methyltransferase 2B; plus strand). Cytogenetic location: 19q13.12.
Variant type: single nucleotide variant.
Coding change: c.7651T>C on transcript NM_014727.3 (MANE Select); coding-DNA position 7651, T replaced by C.
Protein change: p.Ser2551Pro; replaces serine 2551 with proline.
Molecular consequence: missense variant.
Genome position (GRCh38, 1-based): chr19:35,737,736, T>C. VCF-style: chr19-35737736-T-C. GRCh37 (hg19) VCF-style: chr19-36228637-T-C.
Other names: short protein forms S2551P.
Identifiers: ClinVar variation 3671783 (VCV003671783.2).